The following is an entry in ClinVar:

NM_000052.7(ATP7A):c.2827C>T (p.Pro943Ser)

Gene: ATP7A (ATPase copper transporting alpha; plus strand). Cytogenetic location: Xq21.1.
Variant type: single nucleotide variant.
Coding change: c.2827C>T on transcript NM_000052.7 (MANE Select); coding-DNA position 2827, C replaced by T.
Protein change: p.Pro943Ser; replaces proline 943 with serine.
Molecular consequence: missense variant.
Genome position (GRCh38, 1-based): chrX:78,020,990, C>T. VCF-style: chrX-78020990-C-T. GRCh37 (hg19) VCF-style: chrX-77276487-C-T.
Other names: c.2593C>T, p.Pro865Ser (NM_001282224.2); short protein forms P865S, P943S.
Identifiers: ClinVar variation 3761398 (VCV003761398.2).

ClinVar aggregate classification (germline): Uncertain significance (1 of 4 stars; one submission).

Conditions:
Menkes kinky-hair syndrome (MNK). Also called: Copper transport disease; Menkes Disease; Classic Menkes Disease. Identifiers: Orphanet 565, MedGen C0022716, MONDO:0010651, OMIM 309400.
X-linked distal spinal muscular atrophy type 3. Also called: ATP7A-Related Distal Motor Neuropathy; SPINAL MUSCULAR ATROPHY, DISTAL, X-LINKED RECESSIVE; NEURONOPATHY, DISTAL HEREDITARY MOTOR, X-LINKED; NEUROPATHY, DISTAL HEREDITARY MOTOR, X-LINKED. Identifiers: Orphanet 139557, MedGen C1845359, MONDO:0010338, OMIM 300489.
Cutis laxa, X-linked (OHS). Also called: EDS IX; Occipital horn syndrome. Identifiers: Orphanet 198, MedGen C0268353, MONDO:0010572, OMIM 304150.

gnomAD v4.1: 2 of 1,206,606 alleles (0.00017%); highest among the groups gnomAD compares: African/African-American, 0.0017%; no homozygotes.

Submission:

Labcorp Genetics (formerly Invitae), Labcorp
Classification: Uncertain significance for X-linked distal spinal muscular atrophy type 3; Cutis laxa, X-linked; Menkes kinky-hair syndrome. Last evaluated: 2025-06-19. Review status: criteria provided, single submitter. Criteria: Invitae Variant Classification Sherloc (09022015). Collection method: clinical testing. Allele origin: germline.
Comment: This sequence change replaces proline, which is neutral and non-polar, with serine, which is neutral and polar, at codon 943 of the ATP7A protein (p.Pro943Ser). This variant is present in population databases (rs782002197, gnomAD no frequency). This variant has not been reported in the literature in individuals affected with ATP7A-related conditions. ClinVar contains an entry for this variant (Variation ID: 3761398). Invitae Evidence Modeling of protein sequence and biophysical properties (such as structural, functional, and spatial information, amino acid conservation, physicochemical variation, residue mobility, and thermodynamic stability) has been performed for this missense variant. However, the output from this modeling did not meet the statistical confidence thresholds required to predict the impact of this variant on ATP7A protein function. In summary, the available evidence is currently insufficient to determine the role of this variant in disease. Therefore, it has been classified as a Variant of Uncertain Significance.